The following is an entry in ClinVar:

NM_006899.5(IDH3B):c.629G>T (p.Arg210Leu)

Gene: IDH3B (isocitrate dehydrogenase (NAD(+)) 3 non-catalytic subunit beta; minus strand). Cytogenetic location: 20p13.
Variant type: single nucleotide variant.
Coding change: c.629G>T on transcript NM_006899.5 (MANE Select); coding-DNA position 629, G replaced by T.
Protein change: p.Arg210Leu; replaces arginine 210 with leucine.
Molecular consequence: missense variant. On other transcripts: non-coding transcript variant (1).
Genome position (GRCh38, 1-based): chr20:2,660,493, C>A on the plus strand (G>T on the coding strand, the complement: IDH3B is on the minus strand). VCF-style: chr20-2660493-C-A. GRCh37 (hg19) VCF-style: chr20-2641139-C-A.
Other names: c.629G>T, p.Arg210Leu (NM_001258384.3, NM_001330763.2, NM_174855.4); short protein forms R210L.
Identifiers: ClinVar variation 1388475 (VCV001388475.4), dbSNP rs930177255, ClinGen allele CA310881364.

ClinVar aggregate classification (germline): Uncertain significance (1 of 4 stars; one submission).

Allele frequency attached by ClinVar (database versions not stated): TOPMed 0.00001.

Submission:

Labcorp Genetics (formerly Invitae), Labcorp
Classification: Uncertain significance. Last evaluated: 2022-08-16. Review status: criteria provided, single submitter. Criteria: Invitae Variant Classification Sherloc (09022015). Collection method: clinical testing. Allele origin: germline.
Comment: In summary, the available evidence is currently insufficient to determine the role of this variant in disease. Therefore, it has been classified as a Variant of Uncertain Significance. Algorithms developed to predict the effect of missense changes on protein structure and function are either unavailable or do not agree on the potential impact of this missense change (SIFT: "Not Available"; PolyPhen-2: "Probably Damaging"; Align-GVGD: "Not Available"). ClinVar contains an entry for this variant (Variation ID: 1388475). This variant has not been reported in the literature in individuals affected with IDH3B-related conditions. This variant is not present in population databases (gnomAD no frequency). This sequence change replaces arginine, which is basic and polar, with leucine, which is neutral and non-polar, at codon 210 of the IDH3B protein (p.Arg210Leu).